The following is an entry in ClinVar:

ClinVar aggregate classification (germline): Benign/Likely benign. Review status: criteria provided, multiple submitters, no conflicts (2 of 4 stars). 5 submissions from 5 submitters: Benign (2); Likely benign (2). 1 of the submissions does not count toward it. Last evaluated 2026-01-31.

Conditions:
Pachyonychia congenita 2 (PC2). Also called: PACHYONYCHIA CONGENITA, JACKSON-LAWLER TYPE; Jackson-Lawler syndrome; PC-K17; KRT17-Related Pachyonychia Congenita. Identifiers: Orphanet 2309, MedGen C1721007, MONDO:0008174, OMIM 167210.
Steatocystoma multiplex. Also called: Sebocystomatosis; Disseminated sebocystomatosis. Identifiers: Orphanet 841, MedGen C0259771, MONDO:0008485, OMIM 184500, HP:0012035.
KRT17-related disorder. Also called: KRT17-related condition.

Allele frequency attached by ClinVar (database versions not stated): 1000 Genomes Project 0.00140; 1000 Genomes Project 30x 0.00172; TOPMed 0.00269; ESP Exome Variant Server 0.00361.

Submissions (17):

Labcorp Genetics (formerly Invitae), Labcorp
Classification: Benign. Last evaluated: 2026-01-31. Review status: criteria provided, single submitter. Criteria: Invitae Variant Classification Sherloc (09022015). Collection method: clinical testing. Allele origin: germline.

Blueprint Genetics
Classification: Likely benign. Last evaluated: 2024-11-20. Review status: criteria provided, single submitter. Criteria: ACMG Guidelines, 2015. Collection method: clinical testing. Allele origin: germline.

CeGaT Center for Human Genetics Tuebingen
Classification: Benign. Last evaluated: 2024-11-01. Review status: criteria provided, single submitter. Criteria: CeGaT Center For Human Genetics Tuebingen Variant Classification Criteria Version 2. Collection method: clinical testing. Allele origin: germline. Affected: yes. Observed: 2 variant alleles.
Comment: KRT17: BP4, BS1, BS2

Fulgent Genetics
Classification: Likely benign for Pachyonychia congenita 2; Steatocystoma multiplex. Last evaluated: 2022-04-28. Review status: criteria provided, single submitter. Criteria: ACMG Guidelines, 2015. Collection method: clinical testing. Allele origin: unknown.

PreventionGenetics, part of Exact Sciences
Classification: Likely benign for KRT17-related condition. Last evaluated: 2024-08-20. Review status: no assertion criteria provided. Collection method: clinical testing. Allele origin: germline. Not counted in ClinVar's aggregate classification.
Comment: This variant is classified as likely benign based on ACMG/AMP sequence variant interpretation guidelines (Richards et al. 2015 PMID: 25741868, with internal and published modifications).

Dr. Peter K. Rogan Lab, Western University
No classification provided (evidence only). Condition: Clear cell carcinoma of kidney. Review status: no classification provided. Collection method: in vitro. Allele origin: not applicable. Functional consequence: retained intron. Not counted in ClinVar's aggregate classification.

Dr. Peter K. Rogan Lab, Western University
No classification provided (evidence only). Condition: Lung cancer. Review status: no classification provided. Collection method: in vitro. Allele origin: not applicable. Functional consequence: retained intron. Not counted in ClinVar's aggregate classification.

Dr. Peter K. Rogan Lab, Western University
No classification provided (evidence only). Condition: Lung cancer. Review status: no classification provided. Collection method: in vitro. Allele origin: not applicable. Functional consequence: retained intron. Not counted in ClinVar's aggregate classification.

Dr. Peter K. Rogan Lab, Western University
No classification provided (evidence only). Condition: Familial cancer of breast. Review status: no classification provided. Collection method: in vitro. Allele origin: not applicable. Functional consequence: retained intron. Not counted in ClinVar's aggregate classification.

Dr. Peter K. Rogan Lab, Western University
No classification provided (evidence only). Condition: Familial cancer of breast. Review status: no classification provided. Collection method: in vitro. Allele origin: not applicable. Functional consequence: retained intron. Not counted in ClinVar's aggregate classification.

Dr. Peter K. Rogan Lab, Western University
No classification provided (evidence only). Condition: Acute myeloid leukemia. Review status: no classification provided. Collection method: in vitro. Allele origin: not applicable. Functional consequence: retained intron. Not counted in ClinVar's aggregate classification.

Dr. Peter K. Rogan Lab, Western University
No classification provided (evidence only). Condition: Cervical cancer. Review status: no classification provided. Collection method: in vitro. Allele origin: not applicable. Functional consequence: retained intron. Not counted in ClinVar's aggregate classification.

Dr. Peter K. Rogan Lab, Western University
No classification provided (evidence only). Condition: Cervical cancer. Review status: no classification provided. Collection method: in vitro. Allele origin: not applicable. Functional consequence: skipped exon, retained intron. Not counted in ClinVar's aggregate classification.

Dr. Peter K. Rogan Lab, Western University
No classification provided (evidence only). Condition: Ovarian serous cystadenocarcinoma. Review status: no classification provided. Collection method: in vitro. Allele origin: not applicable. Functional consequence: retained intron. Not counted in ClinVar's aggregate classification.

Dr. Peter K. Rogan Lab, Western University
No classification provided (evidence only). Condition: Gastric cancer. Review status: no classification provided. Collection method: in vitro. Allele origin: not applicable. Functional consequence: retained intron. Not counted in ClinVar's aggregate classification.

Dr. Peter K. Rogan Lab, Western University
No classification provided (evidence only). Condition: Malignant tumor of esophagus. Review status: no classification provided. Collection method: in vitro. Allele origin: not applicable. Functional consequence: retained intron. Not counted in ClinVar's aggregate classification.

Dr. Peter K. Rogan Lab, Western University
No classification provided (evidence only). Condition: Malignant tumor of esophagus. Review status: no classification provided. Collection method: in vitro. Allele origin: not applicable. Functional consequence: retained intron. Not counted in ClinVar's aggregate classification.

NM_000422.3(KRT17):c.834+5G>A

Gene: KRT17 (keratin 17; minus strand). Cytogenetic location: 17q21.2.
Variant type: single nucleotide variant.
Coding change: c.834+5G>A on transcript NM_000422.3 (MANE Select); 5 bases into the intron after coding-DNA position 834, G replaced by A.
Molecular consequence: intron variant.
Genome position (GRCh38, 1-based): chr17:41,621,588, C>T on the plus strand (G>A on the coding strand, the complement: KRT17 is on the minus strand). VCF-style: chr17-41621588-C-T. GRCh37 (hg19) VCF-style: chr17-39777840-C-T.
Identifiers: ClinVar variation 773316 (VCV000773316.29), dbSNP rs190234778, ClinGen allele CA8563594.